The following is an entry in ClinVar:

NM_177972.3(TUB):c.1144C>T (p.Pro382Ser)

Genes: RIC3 (RIC3 acetylcholine receptor chaperone; minus strand), TUB (TUB bipartite transcription factor; plus strand). Cytogenetic location: 11p15.4.
Variant type: single nucleotide variant.
Coding change: c.1144C>T on transcript NM_177972.3 (MANE Select); coding-DNA position 1144, C replaced by T.
Protein change: p.Pro382Ser; replaces proline 382 with serine.
Molecular consequence: missense variant.
Genome position (GRCh38, 1-based): chr11:8,100,530, C>T. VCF-style: chr11-8100530-C-T. GRCh37 (hg19) VCF-style: chr11-8122077-C-T.
Other names: c.1309C>T, p.Pro437Ser (NM_003320.5); c.1309C>T (NM_003320.4); short protein forms P382S, P437S.
Identifiers: ClinVar variation 1421769 (VCV001421769.6), dbSNP rs1482002037, ClinGen allele CA379570928.
Genomic context (GRCh38, chr11:8,100,530, plus strand): 5'-CTCAGGTGGCCAGTGTTGCGTTCTCTTTCCCAGGAGACAAACGTCTTAGGCTTCAAGGGG[C>T]CTCGGAAGATGAGCGTGATTGTCCCAGGCATGAACATGGTTCATGAGAGAGTCTCTATCC-3'
Protein context (NP_813977.1, residues 372-392): YETNVLGFKG[Pro382Ser]RKMSVIVPGM

ClinVar aggregate classification (germline): Uncertain significance. Review status: criteria provided, multiple submitters, no conflicts (2 of 4 stars). 2 submissions from 2 submitters: Uncertain significance (2). Last evaluated 2024-10-14.

Conditions:
TUB-related disorder. Also called: TUB-related condition.

Allele frequency attached by ClinVar (database versions not stated): gnomAD exomes 0.00001; gnomAD 0.00002; TOPMed 0.00002.
gnomAD v4.1: 9 of 1,613,974 alleles (0.00056%); highest among the groups gnomAD compares: Non-Finnish European, 0.00076%; no homozygotes.

Submissions (2):

PreventionGenetics, part of Exact Sciences
Classification: Uncertain significance for TUB-related condition. Last evaluated: 2024-10-14. Review status: criteria provided, single submitter. Criteria: ACMG Guidelines, 2015. Collection method: clinical testing. Allele origin: germline.
Comment: The TUB c.1309C>T variant is predicted to result in the amino acid substitution p.Pro437Ser. To our knowledge, this variant has not been reported in the literature. This variant is reported in 0.0018% of alleles in individuals of European (Non-Finnish) descent in gnomAD. At this time, the clinical significance of this variant is uncertain due to the absence of conclusive functional and genetic evidence.

Labcorp Genetics (formerly Invitae), Labcorp
Classification: Uncertain significance. Last evaluated: 2022-04-08. Review status: criteria provided, single submitter. Criteria: Invitae Variant Classification Sherloc (09022015). Collection method: clinical testing. Allele origin: germline.
Comment: This sequence change replaces proline, which is neutral and non-polar, with serine, which is neutral and polar, at codon 437 of the TUB protein (p.Pro437Ser). This variant is present in population databases (no rsID available, gnomAD 0.002%). This variant has not been reported in the literature in individuals affected with TUB-related conditions. Algorithms developed to predict the effect of missense changes on protein structure and function are either unavailable or do not agree on the potential impact of this missense change (SIFT: "Deleterious"; PolyPhen-2: "Probably Damaging"; Align-GVGD: "Class C0"). In summary, the available evidence is currently insufficient to determine the role of this variant in disease. Therefore, it has been classified as a Variant of Uncertain Significance.